The following is an entry in ClinVar:

ClinVar aggregate classification (germline): Uncertain significance. Review status: criteria provided, multiple submitters, no conflicts (2 of 4 stars). 2 submissions from 2 submitters: Uncertain significance (2). Last evaluated 2022-10-25.

Submissions (2):

Labcorp Genetics (formerly Invitae), Labcorp
Classification: Uncertain significance. Last evaluated: 2022-10-25. Review status: criteria provided, single submitter. Criteria: Invitae Variant Classification Sherloc (09022015). Collection method: clinical testing. Allele origin: germline.
Comment: In summary, the available evidence is currently insufficient to determine the role of this variant in disease. Therefore, it has been classified as a Variant of Uncertain Significance. Algorithms developed to predict the effect of missense changes on protein structure and function are either unavailable or do not agree on the potential impact of this missense change (SIFT: "Deleterious"; PolyPhen-2: "Benign"; Align-GVGD: "Class C0"). ClinVar contains an entry for this variant (Variation ID: 1371194). This missense change has been observed in individual(s) with deafness (Invitae). In at least one individual the data is consistent with being in trans (on the opposite chromosome) from a pathogenic variant. This variant is not present in population databases (gnomAD no frequency). This sequence change replaces glutamine, which is neutral and polar, with proline, which is neutral and non-polar, at codon 390 of the LOXHD1 protein (p.Gln390Pro).

Blueprint Genetics
Classification: Uncertain significance. Last evaluated: 2022-07-15. Review status: criteria provided, single submitter. Criteria: ACMG Guidelines, 2015. Collection method: clinical testing. Allele origin: germline.

NM_001384474.1(LOXHD1):c.1169A>C (p.Gln390Pro)

Gene: LOXHD1 (lipoxygenase homology PLAT domains 1; minus strand). Cytogenetic location: 18q21.1.
Variant type: single nucleotide variant.
Coding change: c.1169A>C on transcript NM_001384474.1 (MANE Select); coding-DNA position 1169, A replaced by C.
Protein change: p.Gln390Pro; replaces glutamine 390 with proline.
Molecular consequence: missense variant.
Genome position (GRCh38, 1-based): chr18:46,594,432, T>G on the plus strand (A>C on the coding strand, the complement: LOXHD1 is on the minus strand). VCF-style: chr18-46594432-T-G. GRCh37 (hg19) VCF-style: chr18-44174395-T-G.
Other names: c.1169A>C, p.Gln390Pro (NM_144612.7); short protein forms Q390P.
Identifiers: ClinVar variation 1371194 (VCV001371194.7), dbSNP rs2144247102, ClinGen allele CA402381149.
Genomic context (GRCh38, chr18:46,594,432, plus strand): 5'-TGCCTCTCAATCAACCCATCCGCTTTCTTCTCATCCAGCCAGTTGCTACAAGGGAAGGTC[T>G]GCTGGATACCAGTGAAGGGGCACAGAATCACCACCTGGGGAGAGTGGAGCACAGTGTCTC-3'
Protein context (NP_001371403.1, residues 380-400): VILCPFTGIQ[Gln390Pro]TFPCSNWLDE